The following is an entry in ClinVar:

ClinVar aggregate classification (germline): Uncertain significance (1 of 4 stars; one submission).

Conditions:
Propionic acidemia (PROP). Also called: GLYCINEMIA, KETOTIC; HYPERGLYCINEMIA WITH KETOACIDOSIS AND LEUKOPENIA; KETOTIC HYPERGLYCINEMIA. Identifiers: Orphanet 35, MedGen C0268579, MONDO:0011628, OMIM 606054, HP:0003571.

gnomAD v4.1: 1 of 1,612,940 alleles (0.000062%); highest among the groups gnomAD compares: Admixed American, 0.0017%; no homozygotes.

Submission:

Labcorp Genetics (formerly Invitae), Labcorp
Classification: Uncertain significance for Propionic acidemia. Last evaluated: 2021-08-30. Review status: criteria provided, single submitter. Criteria: Invitae Variant Classification Sherloc (09022015). Collection method: clinical testing. Allele origin: germline.
Comment: This sequence change replaces isoleucine with valine at codon 39 of the PCCB protein (p.Ile39Val). The isoleucine residue is highly conserved and there is a small physicochemical difference between isoleucine and valine. This variant is not present in population databases (ExAC no frequency). This variant has not been reported in the literature in individuals affected with PCCB-related conditions. Algorithms developed to predict the effect of missense changes on protein structure and function are either unavailable or do not agree on the potential impact of this missense change (SIFT: "Deleterious"; PolyPhen-2: "Benign"; Align-GVGD: "Class C25"). In summary, the available evidence is currently insufficient to determine the role of this variant in disease. Therefore, it has been classified as a Variant of Uncertain Significance.

NM_000532.5(PCCB):c.115A>G (p.Ile39Val)

Gene: PCCB (propionyl-CoA carboxylase subunit beta; plus strand). Cytogenetic location: 3q22.3.
Variant type: single nucleotide variant.
Coding change: c.115A>G on transcript NM_000532.5 (MANE Select); coding-DNA position 115, A replaced by G.
Protein change: p.Ile39Val; replaces isoleucine 39 with valine.
Molecular consequence: missense variant.
Genome position (GRCh38, 1-based): chr3:136,250,490, A>G. VCF-style: chr3-136250490-A-G. GRCh37 (hg19) VCF-style: chr3-135969332-A-G.
Other names: c.115A>G, p.Ile39Val (NM_001178014.2); short protein forms I39V.
Identifiers: ClinVar variation 1054144 (VCV001054144.6), dbSNP rs1208205672, ClinGen allele CA354738019.